The following is an entry in ClinVar:

ClinVar aggregate classification (germline): Likely benign (1 of 4 stars; one submission).

Conditions:
Hereditary breast ovarian cancer syndrome. Also called: Hereditary breast and/or ovarian cancer syndrome; BRCA1- and BRCA2-Associated Hereditary Breast and Ovarian Cancer; Hereditary breast and ovarian cancer syndrome; Hereditary breast and ovarian cancer; Hereditary breast and ovarian cancer syndrome (HBOC); Breast and ovarian cancer. Identifiers: Orphanet 145, MedGen C0677776, MeSH D061325, MONDO:0003582. Disease mechanism: loss of function.

Submissions (2):

Labcorp Genetics (formerly Invitae), Labcorp
Classification: Likely benign for Hereditary breast ovarian cancer syndrome. Last evaluated: 2021-02-10. Review status: criteria provided, single submitter. Criteria: Invitae Variant Classification Sherloc (09022015). Collection method: clinical testing. Allele origin: germline.

Brotman Baty Institute, University of Washington
No classification provided (evidence only). Condition: Breast-ovarian cancer, familial 1. Review status: no classification provided. Collection method: in vitro. Allele origin: not applicable. Functional consequence: functionally_normal. Not counted in ClinVar's aggregate classification.
ClinVar note: "not provided" was previously submitted as the classification for the variant. However, the classification appeared to be based only on an observation of functional data so it was converted to no classification on 2025-07-30.

NM_007294.4(BRCA1):c.5193+16T>C

Gene: BRCA1 (BRCA1 DNA repair associated; minus strand). Cytogenetic location: 17q21.31.
Variant type: single nucleotide variant.
Coding change: c.5193+16T>C on transcript NM_007294.4 (MANE Select); 16 bases into the intron after coding-DNA position 5193, T replaced by C.
Molecular consequence: intron variant.
Genome position (GRCh38, 1-based): chr17:43,063,317, A>G on the plus strand (T>C on the coding strand, the complement: BRCA1 is on the minus strand). VCF-style: chr17-43063317-A-G. GRCh37 (hg19) VCF-style: chr17-41215334-A-G.
Other names: c.1740+16T>C (NM_001408458.1, NM_001408461.1, NM_001408464.1 and 7 more transcripts); c.4302+16T>C (NM_001407967.1); c.4812+16T>C (NM_001407959.1); c.4926+16T>C (NM_001407931.1, NM_001407932.1, NM_001407928.1 and 4 more transcripts); c.5049+16T>C (NM_001407747.1, NM_001407745.1, NM_001407737.1 and 21 more transcripts); c.4809+16T>C (NM_001407962.1, NM_001407960.1); c.1380+16T>C (NM_001408512.1); c.1503+16T>C (NM_001408510.1); and 72 more.
Identifiers: ClinVar variation 865122 (VCV000865122.11), dbSNP rs2051850436, ClinGen allele CA916080005.
Genomic context (GRCh38, chr17:43,063,317, plus strand): 5'-TGGAAGGAAGCAAATACATTTTTAACTATATGACTGAATGAATATCTCTGGTTAGTTTGT[A>G]ACATCAAGTACTTACCTCATTCAGCATTTTTCTTTCTTTAATAGACTGGGTCACCCCTAA-3'